The following is an entry in ClinVar:

NM_006623.4(PHGDH):c.22A>T (p.Lys8Ter)

Gene: PHGDH (phosphoglycerate dehydrogenase; plus strand). Cytogenetic location: 1p12.
Variant type: single nucleotide variant.
Coding change: c.22A>T on transcript NM_006623.4 (MANE Select); coding-DNA position 22, A replaced by T.
Protein change: p.Lys8Ter; replaces lysine 8 with a stop codon.
Molecular consequence: nonsense.
Genome position (GRCh38, 1-based): chr1:119,712,044, A>T. VCF-style: chr1-119712044-A-T. GRCh37 (hg19) VCF-style: chr1-120254667-A-T.
Other names: short protein forms K8*.
Identifiers: ClinVar variation 1393177 (VCV001393177.6), dbSNP rs1650717188, ClinGen allele CA341414732.

ClinVar aggregate classification (germline): Pathogenic/Likely pathogenic. Review status: criteria provided, multiple submitters, no conflicts (2 of 4 stars). 2 submissions from 2 submitters: Pathogenic (1); Likely pathogenic (1). Last evaluated 2025-06-06.

Conditions:
Autosomal recessive PHGDH-related disorders.
PHGDH deficiency. Identifiers: Orphanet 79351, MedGen C1866174, MONDO:0011152, OMIM 601815.

Allele frequency attached by ClinVar (database versions not stated): gnomAD 0.00001.
gnomAD v4.1: 2 of 1,614,052 alleles (0.00012%); highest among the groups gnomAD compares: African/African-American, 0.0027%; no homozygotes.

Submissions (2):

Variantyx, Inc.
Classification: Likely pathogenic for Autosomal recessive PHGDH-related disorders. Last evaluated: 2025-06-06. Review status: criteria provided, single submitter. Criteria: Variantyx Assertion Criteria 2022. Collection method: clinical testing. Allele origin: germline. Inheritance: Autosomal recessive inheritance.
Comment: This is a nonsense variant in the PHGDH gene (OMIM: 606879). Pathogenic variants in this gene have been associated with autosomal recessive PHGDH-related disorders. This variant introduces a premature termination codon in exon 1 out of 12 and is expected to result in loss of function, which is a known disease mechanism for PHGDH in this disorder (PMID: 14645240) (PVS1). This variant has a 0.0048% maximum allele frequency in non-founder control populations (PM2). Based on the current evidence, this variant is classified as likely pathogenic for autosomal recessive PHGDH-related disorders.

Labcorp Genetics (formerly Invitae), Labcorp
Classification: Pathogenic for PHGDH deficiency. Last evaluated: 2021-09-15. Review status: criteria provided, single submitter. Criteria: Invitae Variant Classification Sherloc (09022015). Collection method: clinical testing. Allele origin: germline.
Comment: Algorithms developed to predict the effect of sequence changes on RNA splicing suggest that this variant may create or strengthen a splice site. This variant has not been reported in the literature in individuals affected with PHGDH-related conditions. This variant is not present in population databases (ExAC no frequency). This sequence change creates a premature translational stop signal (p.Lys8*) in the PHGDH gene. It is expected to result in an absent or disrupted protein product. Loss-of-function variants in PHGDH are known to be pathogenic (PMID: 14645240, 24836451). For these reasons, this variant has been classified as Pathogenic.

Literature cited by the submitters: PubMed 14645240 (cited by Variantyx, Inc. and Labcorp Genetics (formerly Invitae), Labcorp); PubMed 24836451 (cited by Labcorp Genetics (formerly Invitae), Labcorp).